The following is an entry in ClinVar:

NM_005802.5(TOPORS):c.1036A>G (p.Asn346Asp)

Gene: TOPORS (TOP1 binding arginine/serine rich protein, E3 ubiquitin ligase; minus strand). Cytogenetic location: 9p21.1.
Variant type: single nucleotide variant.
Coding change: c.1036A>G on transcript NM_005802.5 (MANE Select); coding-DNA position 1036, A replaced by G.
Protein change: p.Asn346Asp; replaces asparagine 346 with aspartic acid.
Molecular consequence: missense variant.
Genome position (GRCh38, 1-based): chr9:32,543,489, T>C on the plus strand (A>G on the coding strand, the complement: TOPORS is on the minus strand). VCF-style: chr9-32543489-T-C. GRCh37 (hg19) VCF-style: chr9-32543487-T-C.
Other names: c.841A>G, p.Asn281Asp (NM_001195622.2); short protein forms N281D, N346D.
Identifiers: ClinVar variation 4738575 (VCV004738575.1).
Genomic context (GRCh38, chr9:32,543,489, plus strand): 5'-CCATGTTAAAAGGAGATCGGGCAAAACTGATAAATTCATGTATAAAATGCTCAGTTCGAT[T>C]AAGTAAAAATGGTCTTAAATCAGACACAAATGCCTGACTCTCCAAGTCATAGCGAGTAAC-3'
Protein context (NP_005793.2, residues 336-356): FVSDLRPFLL[Asn346Asp]RTEHFIHEFI

ClinVar aggregate classification (germline): Uncertain significance (1 of 4 stars; one submission).

gnomAD v4.1: 3 of 1,613,876 alleles (0.00019%); highest among the groups gnomAD compares: Non-Finnish European, 0.00025%; no homozygotes.

Submission:

Labcorp Genetics (formerly Invitae), Labcorp
Classification: Uncertain significance. Last evaluated: 2025-03-18. Review status: criteria provided, single submitter. Criteria: Invitae Variant Classification Sherloc (09022015). Collection method: clinical testing. Allele origin: germline.
Comment: This sequence change replaces asparagine, which is neutral and polar, with aspartic acid, which is acidic and polar, at codon 346 of the TOPORS protein (p.Asn346Asp). This variant is not present in population databases (gnomAD no frequency). This variant has not been reported in the literature in individuals affected with TOPORS-related conditions. An algorithm developed to predict the effect of missense changes on protein structure and function (PolyPhen-2) suggests that this variant is likely to be disruptive. In summary, the available evidence is currently insufficient to determine the role of this variant in disease. Therefore, it has been classified as a Variant of Uncertain Significance.